The following is an entry in ClinVar:

ClinVar aggregate classification (germline): Uncertain significance. Review status: criteria provided, multiple submitters, no conflicts (2 of 4 stars). 2 submissions from 2 submitters: Uncertain significance (2). Last evaluated 2026-06-25.

Conditions:
Inborn genetic diseases. Identifiers: MedGen C0950123, MeSH D030342.

Allele frequency attached by ClinVar (database versions not stated): gnomAD exomes below 0.00001 and 0.00001; ExAC 0.00001; gnomAD 0.00001; TOPMed 0.00001.
gnomAD v4.1: 7 of 1,613,998 alleles (0.00043%); highest among the groups gnomAD compares: South Asian, 0.0044%; no homozygotes.

Submissions (2):

Ambry Genetics
Classification: Uncertain significance for Inborn genetic diseases. Last evaluated: 2026-06-25. Review status: criteria provided, single submitter. Criteria: Ambry Variant Classification Scheme 2023. Collection method: clinical testing. Allele origin: germline.
Comment: The p.S135N variant (also known as c.404G>A), located in coding exon 2 of the SERPING1 gene, results from a G to A substitution at nucleotide position 404. The serine at codon 135 is replaced by asparagine, an amino acid with highly similar properties. This amino acid position is conserved. In addition, this alteration is predicted to be tolerated by in silico analysis. Based on the available evidence, the clinical significance of this variant remains unclear.

Labcorp Genetics (formerly Invitae), Labcorp
Classification: Uncertain significance. Last evaluated: 2022-05-20. Review status: criteria provided, single submitter. Criteria: Invitae Variant Classification Sherloc (09022015). Collection method: clinical testing. Allele origin: germline.
Comment: ClinVar contains an entry for this variant (Variation ID: 1026567). This variant has not been reported in the literature in individuals affected with SERPING1-related conditions. This variant is present in population databases (rs762090349, gnomAD 0.003%). This sequence change replaces serine, which is neutral and polar, with asparagine, which is neutral and polar, at codon 135 of the SERPING1 protein (p.Ser135Asn). Advanced modeling of protein sequence and biophysical properties (such as structural, functional, and spatial information, amino acid conservation, physicochemical variation, residue mobility, and thermodynamic stability) performed at Invitae indicates that this missense variant is not expected to disrupt SERPING1 protein function. In summary, the available evidence is currently insufficient to determine the role of this variant in disease. Therefore, it has been classified as a Variant of Uncertain Significance.

NM_000062.3(SERPING1):c.404G>A (p.Ser135Asn)

Gene: SERPING1 (serpin family G member 1; plus strand). Cytogenetic location: 11q12.1.
Variant type: single nucleotide variant.
Coding change: c.404G>A on transcript NM_000062.3 (MANE Select); coding-DNA position 404, G replaced by A.
Protein change: p.Ser135Asn; replaces serine 135 with asparagine.
Molecular consequence: missense variant.
Genome position (GRCh38, 1-based): chr11:57,600,231, G>A. VCF-style: chr11-57600231-G-A. GRCh37 (hg19) VCF-style: chr11-57367704-G-A.
Other names: c.404G>A, p.Ser135Asn (NM_001032295.2); c.404G>A (NM_000062.2); short protein forms S135N.
Identifiers: ClinVar variation 1026567 (VCV001026567.11), dbSNP rs762090349, ClinGen allele CA6008029.